The following is an entry in ClinVar:

ClinVar aggregate classification (germline): Uncertain significance (1 of 4 stars; one submission).

Conditions:
Spastic paraplegia. Identifiers: MedGen C0037772, HP:0001258.

Submission:

Labcorp Genetics (formerly Invitae), Labcorp
Classification: Uncertain significance for Spastic paraplegia. Last evaluated: 2025-09-02. Review status: criteria provided, single submitter. Criteria: Invitae Variant Classification Sherloc (09022015). Collection method: clinical testing. Allele origin: germline.
Comment: This sequence change replaces lysine, which is basic and polar, with asparagine, which is neutral and polar, at codon 2358 of the SACS protein (p.Lys2358Asn). The frequency data for this variant in the population databases is considered unreliable, as metrics indicate poor data quality at this position in the gnomAD database. This variant has not been reported in the literature in individuals affected with SACS-related conditions. Invitae Evidence Modeling of protein sequence and biophysical properties (such as structural, functional, and spatial information, amino acid conservation, physicochemical variation, residue mobility, and thermodynamic stability) indicates that this missense variant is not expected to disrupt SACS protein function with a negative predictive value of 95%. In summary, the available evidence is currently insufficient to determine the role of this variant in disease. Therefore, it has been classified as a Variant of Uncertain Significance.

NM_014363.6(SACS):c.7074G>T (p.Lys2358Asn)

Gene: SACS (sacsin molecular chaperone; minus strand). Cytogenetic location: 13q12.12.
Variant type: single nucleotide variant.
Coding change: c.7074G>T on transcript NM_014363.6 (MANE Select); coding-DNA position 7074, G replaced by T.
Protein change: p.Lys2358Asn; replaces lysine 2358 with asparagine.
Molecular consequence: missense variant.
Genome position (GRCh38, 1-based): chr13:23,336,802, C>A on the plus strand (G>T on the coding strand, the complement: SACS is on the minus strand). VCF-style: chr13-23336802-C-A. GRCh37 (hg19) VCF-style: chr13-23910941-C-A.
Other names: c.6633G>T, p.Lys2211Asn (NM_001278055.2); c.7101G>T, p.Lys2367Asn (NM_001437336.1); short protein forms K2211N, K2358N, K2367N.
Identifiers: ClinVar variation 4805408 (VCV004805408.1).